The following is an entry in ClinVar:

ClinVar aggregate classification (germline): Uncertain significance. Review status: criteria provided, multiple submitters, no conflicts (2 of 4 stars). 2 submissions from 2 submitters: Uncertain significance (2). Last evaluated 2023-12-09.

Conditions:
Autosomal recessive limb-girdle muscular dystrophy type 2L (LGMDR12). Also called: Limb-girdle muscular dystrophy, type 2L; MUSCULAR DYSTROPHY, LIMB-GIRDLE, AUTOSOMAL RECESSIVE 12; Limb-Girdle Muscular Dystrophy R12 Anoctamin-5-Related (LGMD-R12). Identifiers: Orphanet 206549, MedGen C1969785, MONDO:0012652, OMIM 611307.
Gnathodiaphyseal dysplasia (GDD). Also called: GNATHODIAPHYSEAL SCLEROSIS; OSTEOGENESIS IMPERFECTA WITH UNUSUAL SKELETAL LESIONS. Identifiers: Orphanet 53697, MedGen C1833736, MONDO:0008151, OMIM 166260.

Allele frequency attached by ClinVar (database versions not stated): gnomAD 0.00002; TOPMed 0.00002; gnomAD exomes below 0.00001.
gnomAD v4.1: 10 of 1,614,020 alleles (0.00062%); highest among the groups gnomAD compares: African/African-American, 0.004%; no homozygotes.

Submissions (2):

Labcorp Genetics (formerly Invitae), Labcorp
Classification: Uncertain significance for Autosomal recessive limb-girdle muscular dystrophy type 2L; Gnathodiaphyseal dysplasia. Last evaluated: 2023-12-09. Review status: criteria provided, single submitter. Criteria: Invitae Variant Classification Sherloc (09022015). Collection method: clinical testing. Allele origin: germline.
Comment: This sequence change replaces tryptophan, which is neutral and slightly polar, with arginine, which is basic and polar, at codon 639 of the ANO5 protein (p.Trp639Arg). This variant is not present in population databases (gnomAD no frequency). This variant has not been reported in the literature in individuals affected with ANO5-related conditions. ClinVar contains an entry for this variant (Variation ID: 597562). Advanced modeling of protein sequence and biophysical properties (such as structural, functional, and spatial information, amino acid conservation, physicochemical variation, residue mobility, and thermodynamic stability) performed at Invitae indicates that this missense variant is expected to disrupt ANO5 protein function with a positive predictive value of 95%. In summary, the available evidence is currently insufficient to determine the role of this variant in disease. Therefore, it has been classified as a Variant of Uncertain Significance.

Eurofins Ntd Llc (ga)
Classification: Uncertain significance. Last evaluated: 2018-06-13. Review status: criteria provided, single submitter. Criteria: EGL ClinVar v180209 classification definitions. Collection method: clinical testing. Allele origin: germline. Observed: 1 variant allele, 1 heterozygote.

NM_213599.3(ANO5):c.1915T>C (p.Trp639Arg)

Gene: ANO5 (anoctamin 5; plus strand). Cytogenetic location: 11p14.3.
Variant type: single nucleotide variant.
Coding change: c.1915T>C on transcript NM_213599.3 (MANE Select); coding-DNA position 1915, T replaced by C.
Protein change: p.Trp639Arg; replaces tryptophan 639 with arginine.
Molecular consequence: missense variant.
Genome position (GRCh38, 1-based): chr11:22,270,328, T>C. VCF-style: chr11-22270328-T-C. GRCh37 (hg19) VCF-style: chr11-22291874-T-C.
Other names: c.1912T>C, p.Trp638Arg (NM_001142649.2); short protein forms W639R, W638R.
Identifiers: ClinVar variation 597562 (VCV000597562.8), dbSNP rs973595720, ClinGen allele CA218774123.